The following is an entry in ClinVar:

ClinVar aggregate classification (germline): Conflicting classifications of pathogenicity. Review status: criteria provided, conflicting classifications (1 of 4 stars). 2 submissions from 2 submitters: Uncertain significance (1); Likely benign (1). Last evaluated 2025-06-29.

Conditions:
Idiopathic generalized epilepsy. Also called: EIG; Generalised epilepsy. Identifiers: MedGen C0270850, MONDO:0005579, OMIM 600669.

Allele frequency attached by ClinVar (database versions not stated): gnomAD exomes 0.00001 and 0.00002; TOPMed 0.00002; ExAC 0.00003; gnomAD 0.00003.

Submissions (2):

Labcorp Genetics (formerly Invitae), Labcorp
Classification: Likely benign for Idiopathic generalized epilepsy. Last evaluated: 2025-06-29. Review status: criteria provided, single submitter. Criteria: Invitae Variant Classification Sherloc (09022015). Collection method: clinical testing. Allele origin: germline.

Women's Health and Genetics/Laboratory Corporation of America, LabCorp
Classification: Uncertain significance. Last evaluated: 2025-04-03. Review status: criteria provided, single submitter. Criteria: LabCorp Variant Classification Summary - May 2015. Collection method: clinical testing. Allele origin: germline.
Comment: Variant summary: GABRD c.554-5T>A alters a non-conserved nucleotide located close to a canonical splice site and therefore could affect mRNA splicing, leading to a significantly altered protein sequence. Several computational tools predict a significant impact on normal splicing: One predict the variant no significant impact on splicing. Three predict the variant weakens a 3' acceptor site. However, these predictions have yet to be confirmed by functional studies. The variant allele was found at a frequency of 1.1e-05 in 1600124 control chromosomes (gnomAD v4.1). This frequency is not significantly higher than estimated for a pathogenic variant in GABRD causing GABRD-Related Disorders, allowing no conclusion about variant significance. To our knowledge, no occurrence of c.554-5T>A in individuals affected with GABRD-Related Disorders and no experimental evidence demonstrating its impact on protein function have been reported. ClinVar contains an entry for this variant (Variation ID: 1638751). Based on the evidence outlined above, the variant was classified as uncertain significance.

NM_000815.5(GABRD):c.554-5T>A

Gene: GABRD (gamma-aminobutyric acid type A receptor subunit delta; plus strand). Cytogenetic location: 1p36.33.
Variant type: single nucleotide variant.
Coding change: c.554-5T>A on transcript NM_000815.5 (MANE Select); 5 bases into the intron before coding-DNA position 554, T replaced by A.
Molecular consequence: intron variant.
Genome position (GRCh38, 1-based): chr1:2,028,150, T>A. VCF-style: chr1-2028150-T-A. GRCh37 (hg19) VCF-style: chr1-1959589-T-A.
Identifiers: ClinVar variation 1638751 (VCV001638751.10), dbSNP rs766985428, ClinGen allele CA534713.